The following is an entry in ClinVar:

NM_006767.4(LZTR1):c.1062G>C (p.Glu354Asp)

Gene: LZTR1 (leucine zipper like post translational regulator 1; plus strand). Cytogenetic location: 22q11.21.
Variant type: single nucleotide variant.
Coding change: c.1062G>C on transcript NM_006767.4 (MANE Select); coding-DNA position 1062, G replaced by C.
Protein change: p.Glu354Asp; replaces glutamic acid 354 with aspartic acid.
Molecular consequence: missense variant.
Genome position (GRCh38, 1-based): chr22:20,992,282, G>C. VCF-style: chr22-20992282-G-C. GRCh37 (hg19) VCF-style: chr22-21346571-G-C.
Other names: short protein forms E354D.
Identifiers: ClinVar variation 1780770 (VCV001780770.2), dbSNP rs1924634284, ClinGen allele CA410781931.

ClinVar aggregate classification (germline): Uncertain significance (1 of 4 stars; one submission).

Conditions:
Hereditary cancer-predisposing syndrome. Also called: Neoplastic Syndromes, Hereditary; Tumor predisposition; Hereditary Cancer Syndrome; Hereditary neoplastic syndrome. Identifiers: Orphanet 140162, MedGen C0027672, MeSH D009386, MONDO:0015356.
Cardiovascular phenotype. Identifiers: MedGen CN230736.

gnomAD v4.1: 1 of 1,614,018 alleles (0.000062%); highest among the groups gnomAD compares: Non-Finnish European, 0.000085%; no homozygotes.

Submission:

Ambry Genetics
Classification: Uncertain significance for Cardiovascular phenotype; Hereditary cancer-predisposing syndrome. Last evaluated: 2020-09-23. Review status: criteria provided, single submitter. Criteria: Ambry Variant Classification Scheme 2023. Collection method: clinical testing. Allele origin: germline.
Comment: The p.E354D variant (also known as c.1062G>C), located in coding exon 10 of the LZTR1 gene, results from a G to C substitution at nucleotide position 1062. The glutamic acid at codon 354 is replaced by aspartic acid, an amino acid with highly similar properties. This amino acid position is well conserved in available vertebrate species. In addition, this alteration is predicted to be tolerated by in silico analysis. Since supporting evidence is limited at this time, the clinical significance of this alteration remains unclear.